The following is an entry in ClinVar:

ClinVar aggregate classification (germline): Pathogenic (1 of 4 stars; one submission).

Conditions:
Retinitis pigmentosa (RP). Identifiers: Orphanet 791, MedGen C0035334, MeSH D012174, MONDO:0019200, OMIM 268000. Inheritance: Autosomal dominant, autosomal recessive and X linked inheritance.

Submission:

Women's Health and Genetics/Laboratory Corporation of America, LabCorp
Classification: Pathogenic for Retinitis pigmentosa. Last evaluated: 2026-06-01. Review status: criteria provided, single submitter. Criteria: LabCorp Variant Classification Summary - May 2015. Collection method: clinical testing. Allele origin: germline.
Comment: Variant summary: The variant involves the deletion of exons 15-16 in the EYS gene. A presumed nomenclature of c.(2259+1_2260-1)_(2641+1_2642-1)del has been designated for the purposes of this classification. This Copy Number Variant (CNV) is expected to alter the reading frame and predicted to result in a truncation or absence of the encoded protein due to nonsense mediated decay (NMD). Loss-of-function variants in this gene are known to be pathogenic. The variant was absent in 21694 control chromosomes. To our knowledge, no occurrence of c.(2259+1_2260-1)_(2641+1_2642-1)del in individuals affected with EYS-related conditions and no experimental evidence demonstrating its impact on protein function have been reported. ClinVar contains an entry for this variant (Variation ID: 1068599). Based on the evidence outlined above, the variant was classified as pathogenic.

NC_000006.11:g.(65612394_65622376)_(65655808_65707474)del

Gene: EYS (EGF-like photoreceptor maintenance factor; minus strand). Cytogenetic location: 6q12.
Variant type: Deletion.
Identifiers: ClinVar variation 4887626 (VCV004887626.1).